The following is an entry in ClinVar:

ClinVar aggregate classification (germline): Pathogenic. Review status: criteria provided, multiple submitters, no conflicts (2 of 4 stars). 2 submissions from 2 submitters: Pathogenic (2). Last evaluated 2024-06-07.

Conditions:
Mucopolysaccharidosis, MPS-II (MPS2). Also called: Mucopolysaccharidosis type 2; IDS deficiency; Sulfoiduronate sulfatase deficiency; SIDS deficiency; Mucopolysaccharidosis with skin involvement; Hunter Syndrome. Identifiers: Orphanet 580, Orphanet 79388, MedGen C0026705, MONDO:0010674, OMIM 309900.

Submissions (2):

Laboratory of Diagnosis and Therapy of Lysosomal Disorders, University of Padova
Classification: Pathogenic for Mucopolysaccharidosis, MPS-II. Last evaluated: 2024-06-07. Review status: criteria provided, single submitter. Criteria: ACMG Guidelines, 2015. Collection method: literature only. Allele origin: germline. Affected: yes. Observed: 3 variant alleles.
Comment: Null variant (PVS1_VeryStrong), De novo (PS2_Strong), Absent from controls (or at low frequency) in gnomAD database (PM2_Moderate), Patient’s phenotype or family history highly specific for the disease (PP4_Strong)

Classification method: ACMG Guidelines [PMID:25741868] with modifications

Labcorp Genetics (formerly Invitae), Labcorp
Classification: Pathogenic for Mucopolysaccharidosis, MPS-II. Last evaluated: 2021-08-07. Review status: criteria provided, single submitter. Criteria: Invitae Variant Classification Sherloc (09022015). Collection method: clinical testing. Allele origin: germline.
Comment: This sequence change creates a premature translational stop signal (p.Glu375*) in the IDS gene. It is expected to result in an absent or disrupted protein product. Loss-of-function variants in IDS are known to be pathogenic (PMID: 8940265, 9875019). This variant is not present in population databases (ExAC no frequency). This premature translational stop signal has been observed in individual(s) with mucopolysaccharidosis type II (PMID: 8111411, 30639582). For these reasons, this variant has been classified as Pathogenic.

Literature cited by the submitters: PubMed 8111411 (cited by Laboratory of Diagnosis and Therapy of Lysosomal Disorders, University of Padova and Labcorp Genetics (formerly Invitae), Labcorp); PubMed 7887413 (cited by Laboratory of Diagnosis and Therapy of Lysosomal Disorders, University of Padova); PubMed 30639582 (cited by Laboratory of Diagnosis and Therapy of Lysosomal Disorders, University of Padova and Labcorp Genetics (formerly Invitae), Labcorp); PubMed 8940265 (cited by Labcorp Genetics (formerly Invitae), Labcorp); PubMed 9875019 (cited by Labcorp Genetics (formerly Invitae), Labcorp).

NM_000202.8(IDS):c.1123G>T (p.Glu375Ter)

Genes: IDS (iduronate 2-sulfatase; minus strand), LOC106050102 (IDS recombination region; plus strand). Cytogenetic location: Xq28.
Variant type: single nucleotide variant.
Coding change: c.1123G>T on transcript NM_000202.8 (MANE Select); coding-DNA position 1123, G replaced by T.
Protein change: p.Glu375Ter; replaces glutamic acid 375 with a stop codon.
Molecular consequence: nonsense.
Genome position (GRCh38, 1-based): chrX:149,486,982, C>A on the plus strand (G>T on the coding strand, the complement: IDS is on the minus strand). VCF-style: chrX-149486982-C-A. GRCh37 (hg19) VCF-style: chrX-148568513-C-A.
Other names: c.853G>T, p.Glu285Ter (NM_001166550.4); short protein forms E285*, E375*.
Identifiers: ClinVar variation 1455709 (VCV001455709.8), dbSNP rs782634993, ClinGen allele CA414518787.
Genomic context (GRCh38, chrX:149,486,982, plus strand): 5'-TACCTGGCTCCATCAACTGTGAGGCGGAATCAAAAGGGTCGAGGTAAGGGAAAAGCTTCT[C>A]GCCTGCCTCCGGAAGTGAAGCCGTCCTTCCAGGAACATAGAATATCAGGGGAACATGGGT-3'